The following is an entry in ClinVar:

NM_002335.4(LRP5):c.1613G>A (p.Arg538Gln)

Gene: LRP5 (LDL receptor related protein 5; plus strand). Cytogenetic location: 11q13.2.
Variant type: single nucleotide variant.
Coding change: c.1613G>A on transcript NM_002335.4 (MANE Select); coding-DNA position 1613, G replaced by A.
Protein change: p.Arg538Gln; replaces arginine 538 with glutamine.
Molecular consequence: missense variant. On other transcripts: 5 prime UTR variant (1).
Genome position (GRCh38, 1-based): chr11:68,403,511, G>A. VCF-style: chr11-68403511-G-A. GRCh37 (hg19) VCF-style: chr11-68170979-G-A.
Other names: c.-325G>A (NM_001291902.2); short protein forms R538Q.
Identifiers: ClinVar variation 1036364 (VCV001036364.36), dbSNP rs138692892, ClinGen allele CA6149390.

ClinVar aggregate classification (germline): Uncertain significance. Review status: criteria provided, multiple submitters, no conflicts (2 of 4 stars). 6 submissions from 6 submitters: Uncertain significance (6). Last evaluated 2025-12-09.

Conditions:
Inborn genetic diseases. Identifiers: MedGen C0950123, MeSH D030342.
Exudative vitreoretinopathy 4 (EVR4). Identifiers: Orphanet 891, MedGen C1866176, MONDO:0011151, OMIM 601813.
Worth disease. Also called: Autosomal dominant osteosclerosis, Worth type; ENDOSTEAL HYPEROSTOSIS, AUTOSOMAL DOMINANT; OSTEOSCLEROSIS, AUTOSOMAL DOMINANT. Identifiers: Orphanet 2790, MedGen C0432273, MONDO:0007764, OMIM 144750.
Osteoporosis with pseudoglioma (OPPG). Also called: osteoporosis-pseudoglioma syndrome. Identifiers: Orphanet 2788, MedGen C0432252, MONDO:0009820, OMIM 259770.
Bone mineral density quantitative trait locus 1 (BMND1). Identifiers: MedGen C1866079, OMIM 601884.
Autosomal dominant osteopetrosis 1 (OPTA1). Also called: OSTEOPETROSIS, AUTOSOMAL DOMINANT, TYPE I. Identifiers: Orphanet 2783, MedGen C1843330, MONDO:0011877, OMIM 607634.
Polycystic liver disease 4 with or without kidney cysts. Identifiers: MedGen C4693479, MONDO:0044327, OMIM 617875.

Allele frequency attached by ClinVar (database versions not stated): gnomAD 0.00003; TOPMed 0.00003; ExAC 0.00005; gnomAD exomes 0.00006 and 0.00008; ESP Exome Variant Server 0.00008.
gnomAD v4.1: 121 of 1,613,988 alleles (0.0075%); highest among the groups gnomAD compares: Non-Finnish European, 0.0099%; no homozygotes.

Submissions (6):

Women's Health and Genetics/Laboratory Corporation of America, LabCorp
Classification: Uncertain significance. Last evaluated: 2025-12-09. Review status: criteria provided, single submitter. Criteria: LabCorp Variant Classification Summary - May 2015. Collection method: clinical testing. Allele origin: germline.
Comment: Variant summary: LRP5 c.1613G>A (p.Arg538Gln) results in a conservative amino acid change in the encoded protein sequence. Algorithms developed to predict the effect of missense changes on protein structure and function are either unavailable or do not agree on the potential impact of this missense change. The variant allele was found at a frequency of 6e-05 in 251426 control chromosomes. This frequency is not significantly higher than estimated for disease-causing variants in LRP5, allowing no conclusion about variant significance. To our knowledge, no occurrence of c.1613G>A in individuals affected with LRP5-related conditions and no experimental evidence demonstrating its impact on protein function have been reported. ClinVar contains an entry for this variant (Variation ID: 1036364). Based on the evidence outlined above, the variant was classified as uncertain significance.

Ambry Genetics
Classification: Uncertain significance for Inborn genetic diseases. Last evaluated: 2025-11-26. Review status: criteria provided, single submitter. Criteria: Ambry Variant Classification Scheme 2023. Collection method: clinical testing. Allele origin: germline.

Labcorp Genetics (formerly Invitae), Labcorp
Classification: Uncertain significance. Last evaluated: 2024-05-28. Review status: criteria provided, single submitter. Criteria: Invitae Variant Classification Sherloc (09022015). Collection method: clinical testing. Allele origin: germline.
Comment: This sequence change replaces arginine, which is basic and polar, with glutamine, which is neutral and polar, at codon 538 of the LRP5 protein (p.Arg538Gln). This variant is present in population databases (rs138692892, gnomAD 0.01%). This variant has not been reported in the literature in individuals affected with LRP5-related conditions. ClinVar contains an entry for this variant (Variation ID: 1036364). Algorithms developed to predict the effect of missense changes on protein structure and function output the following: SIFT: "Not Available"; PolyPhen-2: "Benign"; Align-GVGD: "Not Available". The glutamine amino acid residue is found in multiple mammalian species, which suggests that this missense change does not adversely affect protein function. In summary, the available evidence is currently insufficient to determine the role of this variant in disease. Therefore, it has been classified as a Variant of Uncertain Significance.

Fulgent Genetics
Classification: Uncertain significance for Worth disease; Osteoporosis with pseudoglioma; Exudative vitreoretinopathy 4; Bone mineral density quantitative trait locus 1; Autosomal dominant osteopetrosis 1; Polycystic liver disease 4 with or without kidney cysts. Last evaluated: 2024-04-19. Review status: criteria provided, single submitter. Criteria: ACMG Guidelines, 2015. Collection method: clinical testing. Allele origin: germline.

CeGaT Center for Human Genetics Tuebingen
Classification: Uncertain significance. Last evaluated: 2022-11-01. Review status: criteria provided, single submitter. Criteria: CeGaT Center For Human Genetics Tuebingen Variant Classification Criteria Version 2. Collection method: clinical testing. Allele origin: germline. Affected: yes. Observed: 1 variant allele.

GeneDx
Classification: Uncertain significance. Last evaluated: 2021-06-16. Review status: criteria provided, single submitter. Criteria: GeneDx Variant Classification Process June 2021. Collection method: clinical testing. Allele origin: germline. Affected: yes.
Comment: In silico analysis supports that this missense variant does not alter protein structure/function; Has not been previously published as pathogenic or benign to our knowledge; This variant is associated with the following publications: (PMID: 27535533)